The following is an entry in ClinVar:

NM_004937.3(CTNS):c.*329A>G

Gene: CTNS (cystinosin, lysosomal cystine transporter; plus strand). Cytogenetic location: 17p13.2.
Variant type: single nucleotide variant.
Coding change: c.*329A>G on transcript NM_004937.3 (MANE Select); 329 bases downstream of the stop codon, A replaced by G.
Molecular consequence: 3 prime UTR variant. On other transcripts: synonymous variant (2).
Genome position (GRCh38, 1-based): chr17:3,660,698, A>G. VCF-style: chr17-3660698-A-G. GRCh37 (hg19) VCF-style: chr17-3563992-A-G.
Other names: c.1167A>G, p.Gln389= (NM_001031681.3, NM_001374492.1); c.*329A>G (NM_001374493.1, NM_001374494.1, NM_001374495.1 and 1 more transcripts).
Identifiers: ClinVar variation 3044209 (VCV003044209.3), dbSNP rs112689752, ClinGen allele CA8292085.
Genomic context (GRCh38, chr17:3,660,698, plus strand): 5'-CTCTGGCAGCCGTCTCAGGCAGGACTGGGCACCAAGCTTGCAGCCGAAGGCCTTGCCCCA[A>G]ACTACCAGCGTTTCTGCAAGCAGCTTGAAGGGCTGACCTTGCAGCCGGGTGAGCCAAGGG-3'

ClinVar aggregate classification (germline): Likely benign. Review status: criteria provided, single submitter (1 of 4 stars). 2 submissions from 2 submitters: Likely benign (1). 1 of the submissions does not count toward it. Last evaluated 2024-11-21.

Conditions:
CTNS-related disorder. Also called: CTNS-related condition.

Allele frequency attached by ClinVar (database versions not stated): ExAC 0.00067; ESP Exome Variant Server 0.00200; gnomAD 0.00222; TOPMed 0.00233; 1000 Genomes Project 0.00240; 1000 Genomes Project 30x 0.00281.
gnomAD v4.1: 741 of 1,613,528 alleles (0.046%); highest among the groups gnomAD compares: African/African-American, 0.74%; 2 homozygotes.

Submissions (2):

Blueprint Genetics
Classification: Likely benign. Last evaluated: 2024-11-21. Review status: criteria provided, single submitter. Criteria: ACMG Guidelines, 2015. Collection method: clinical testing. Allele origin: germline.

PreventionGenetics, part of Exact Sciences
Classification: Likely benign for CTNS-related condition. Last evaluated: 2019-05-27. Review status: no assertion criteria provided. Collection method: clinical testing. Allele origin: germline. Not counted in ClinVar's aggregate classification.
Comment: This variant is classified as likely benign based on ACMG/AMP sequence variant interpretation guidelines (Richards et al. 2015 PMID: 25741868, with internal and published modifications).